The following is an entry in ClinVar:

NM_001378454.1(ALMS1):c.12362+27A>G

Gene: ALMS1 (ALMS1 centrosome and basal body associated protein; plus strand). Cytogenetic location: 2p13.1.
Variant type: single nucleotide variant.
Coding change: c.12362+27A>G on transcript NM_001378454.1 (MANE Select); 27 bases into the intron after coding-DNA position 12362, A replaced by G.
Molecular consequence: intron variant.
Genome position (GRCh38, 1-based): chr2:73,603,331, A>G. VCF-style: chr2-73603331-A-G. GRCh37 (hg19) VCF-style: chr2-73830458-A-G.
Other names: c.12362+27A>G (NM_015120.4); c.12365+27A>G (NM_015120.4).
Identifiers: ClinVar variation 677833 (VCV000677833.2), dbSNP rs17848872, ClinGen allele CA1715549.
Genomic context (GRCh38, chr2:73,603,331, plus strand): 5'-TCAGCAAGAAGGAAATGATTCAGAGGTCCAAACGGTAAGACCAAGAAAACAAGAGTACGT[A>G]TACAAGTGTAAACCAGGCCACCAAGTGGTCGGGAGCTCTGGCTTGCACCCAGAATAAATG-3'

ClinVar aggregate classification (germline): Benign. Review status: criteria provided, multiple submitters, no conflicts (2 of 4 stars). 2 submissions from 2 submitters: Benign (2). Last evaluated 2018-06-14.

Allele frequency attached by ClinVar (database versions not stated): gnomAD exomes 0.03162; ExAC 0.03626; gnomAD 0.07202 and 0.07583; 1000 Genomes Project 0.08127; TOPMed 0.08535; 1000 Genomes Project 30x 0.08916.
gnomAD v4.1: 33,839 of 1,606,514 alleles (2.1%); highest among the groups gnomAD compares: African/African-American, 19%; 2,319 homozygotes.

Submissions (2):

GeneDx
Classification: Benign. Last evaluated: 2018-06-14. Review status: criteria provided, single submitter. Criteria: GeneDx Variant Classification (06012015). Collection method: clinical testing. Allele origin: germline. Affected: yes.
Comment: This variant is considered likely benign or benign based on one or more of the following criteria: it is a conservative change, it occurs at a poorly conserved position in the protein, it is predicted to be benign by multiple in silico algorithms, and/or has population frequency not consistent with disease.

Breakthrough Genomics
Classification: Benign. Review status: criteria provided, single submitter. Criteria: ACMG Guidelines, 2015. Collection method: not provided. Allele origin: germline. Inheritance: Autosomal recessive inheritance. Affected: yes.